The following is an entry in ClinVar:

ClinVar aggregate classification (germline): Benign. Review status: criteria provided, multiple submitters, no conflicts (2 of 4 stars). 2 submissions from 2 submitters: Benign (2). Last evaluated 2018-06-19.

Allele frequency attached by ClinVar (database versions not stated): TOPMed 0.37022; gnomAD 0.37574 and 0.38486; 1000 Genomes Project 30x 0.41693; 1000 Genomes Project 0.43271.
gnomAD v4.1: 58,663 of 151,942 alleles (39%); highest among the groups gnomAD compares: East Asian, 87%; 13,345 homozygotes.

Submissions (2):

GeneDx
Classification: Benign. Last evaluated: 2018-06-19. Review status: criteria provided, single submitter. Criteria: GeneDx Variant Classification (06012015). Collection method: clinical testing. Allele origin: germline. Affected: yes.
Comment: This variant is considered likely benign or benign based on one or more of the following criteria: it is a conservative change, it occurs at a poorly conserved position in the protein, it is predicted to be benign by multiple in silico algorithms, and/or has population frequency not consistent with disease.

Breakthrough Genomics
Classification: Benign. Review status: criteria provided, single submitter. Criteria: ACMG Guidelines, 2015. Collection method: not provided. Allele origin: germline. Inheritance: Autosomal dominant inheritance. Affected: yes.

NM_004863.4(SPTLC2):c.1303+193A>G

Gene: SPTLC2 (serine palmitoyltransferase long chain base subunit 2; minus strand). Cytogenetic location: 14q24.3.
Variant type: single nucleotide variant.
Coding change: c.1303+193A>G on transcript NM_004863.4 (MANE Select); 193 bases into the intron after coding-DNA position 1303, A replaced by G.
Molecular consequence: intron variant.
Genome position (GRCh38, 1-based): chr14:77,551,903, T>C on the plus strand (A>G on the coding strand, the complement: SPTLC2 is on the minus strand). VCF-style: chr14-77551903-T-C. GRCh37 (hg19) VCF-style: chr14-78018246-T-C.
Identifiers: ClinVar variation 670138 (VCV000670138.2), dbSNP rs11159275, ClinGen allele CA13965638.